The following is an entry in ClinVar:

ClinVar aggregate classification (germline): Uncertain significance (1 of 4 stars; one submission).

Conditions:
Sitosterolemia (STSL). Also called: PHYTOSTEROLEMIA. Identifiers: Orphanet 2882, MedGen C0342907, MONDO:0008863.

gnomAD v4.1: 1 of 1,614,042 alleles (0.000062%); highest among the groups gnomAD compares: Non-Finnish European, 0.000085%; no homozygotes.

Submission:

Labcorp Genetics (formerly Invitae), Labcorp
Classification: Uncertain significance for Sitosterolemia. Last evaluated: 2022-05-12. Review status: criteria provided, single submitter. Criteria: Invitae Variant Classification Sherloc (09022015). Collection method: clinical testing. Allele origin: germline.
Comment: In summary, the available evidence is currently insufficient to determine the role of this variant in disease. Therefore, it has been classified as a Variant of Uncertain Significance. Algorithms developed to predict the effect of missense changes on protein structure and function output the following: SIFT: "Tolerated"; PolyPhen-2: "Benign"; Align-GVGD: "Class C0". The isoleucine amino acid residue is found in multiple mammalian species, which suggests that this missense change does not adversely affect protein function. This variant has not been reported in the literature in individuals affected with ABCG5-related conditions. This variant is not present in population databases (gnomAD no frequency). This sequence change replaces valine, which is neutral and non-polar, with isoleucine, which is neutral and non-polar, at codon 246 of the ABCG5 protein (p.Val246Ile).

NM_022436.3(ABCG5):c.736G>A (p.Val246Ile)

Genes: ABCG5 (ATP binding cassette subfamily G member 5; minus strand), DYNC2LI1 (dynein cytoplasmic 2 light intermediate chain 1; plus strand). Cytogenetic location: 2p21.
Variant type: single nucleotide variant.
Coding change: c.736G>A on transcript NM_022436.3 (MANE Select); coding-DNA position 736, G replaced by A.
Protein change: p.Val246Ile; replaces valine 246 with isoleucine.
Molecular consequence: missense variant. On other transcripts: intron variant (2).
Genome position (GRCh38, 1-based): chr2:43,826,420, C>T on the plus strand (G>A on the coding strand, the complement: ABCG5 is on the minus strand). VCF-style: chr2-43826420-C-T. GRCh37 (hg19) VCF-style: chr2-44053559-C-T.
Other names: c.*16-966C>T (NM_001348913.2, NM_001348912.2); short protein forms V246I.
Identifiers: ClinVar variation 2102306 (VCV002102306.4), dbSNP rs2466033818, ClinGen allele CA346666309.